The following is an entry in ClinVar:

NM_022436.3(ABCG5):c.1001T>G (p.Ile334Ser)

Genes: ABCG5 (ATP binding cassette subfamily G member 5; minus strand), DYNC2LI1 (dynein cytoplasmic 2 light intermediate chain 1; plus strand). Cytogenetic location: 2p21.
Variant type: single nucleotide variant.
Coding change: c.1001T>G on transcript NM_022436.3 (MANE Select); coding-DNA position 1001, T replaced by G.
Protein change: p.Ile334Ser; replaces isoleucine 334 with serine.
Molecular consequence: missense variant. On other transcripts: intron variant (2).
Genome position (GRCh38, 1-based): chr2:43,824,336, A>C on the plus strand (T>G on the coding strand, the complement: ABCG5 is on the minus strand). VCF-style: chr2-43824336-A-C. GRCh37 (hg19) VCF-style: chr2-44051475-A-C.
Other names: c.*16-3050A>C (NM_001348913.2, NM_001348912.2); short protein forms I334S.
Identifiers: ClinVar variation 4842050 (VCV004842050.1).

ClinVar aggregate classification (germline): Uncertain significance (1 of 4 stars; one submission).

Conditions:
Cardiovascular phenotype. Identifiers: MedGen CN230736.

gnomAD v4.1: 18 of 1,614,146 alleles (0.0011%); highest among the groups gnomAD compares: Non-Finnish European, 0.0015%; no homozygotes.

Submission:

Ambry Genetics
Classification: Uncertain significance for Cardiovascular phenotype. Last evaluated: 2025-12-19. Review status: criteria provided, single submitter. Criteria: Ambry Variant Classification Scheme 2023. Collection method: clinical testing. Allele origin: germline.
Comment: The p.I334S variant (also known as c.1001T>G), located in coding exon 8 of the ABCG5 gene, results from a T to G substitution at nucleotide position 1001. The isoleucine at codon 334 is replaced by serine, an amino acid with dissimilar properties. This amino acid position is conserved. In addition, the in silico prediction for this alteration is inconclusive. Based on the available evidence, the clinical significance of this variant remains unclear.